The following is an entry in ClinVar:

ClinVar aggregate classification (germline): Conflicting classifications of pathogenicity. Review status: criteria provided, conflicting classifications (1 of 4 stars). 3 submissions from 3 submitters: Uncertain significance (2); Likely benign (1). Last evaluated 2024-12-08.

Conditions:
Hereditary cancer-predisposing syndrome. Also called: Neoplastic Syndromes, Hereditary; Hereditary Cancer Syndrome; Tumor predisposition; Hereditary neoplastic syndrome. Identifiers: Orphanet 140162, MedGen C0027672, MeSH D009386, MONDO:0015356.
Hereditary breast ovarian cancer syndrome. Also called: Hereditary breast and ovarian cancer; Hereditary breast and/or ovarian cancer syndrome; Hereditary breast and ovarian cancer syndrome; Hereditary breast and ovarian cancer syndrome (HBOC); Breast and ovarian cancer; BRCA1- and BRCA2-Associated Hereditary Breast and Ovarian Cancer. Identifiers: Orphanet 145, MedGen C0677776, MeSH D061325, MONDO:0003582. Disease mechanism: loss of function.

Submissions (3):

Labcorp Genetics (formerly Invitae), Labcorp
Classification: Uncertain significance for Hereditary breast ovarian cancer syndrome. Last evaluated: 2024-12-08. Review status: criteria provided, single submitter. Criteria: Invitae Variant Classification Sherloc (09022015). Collection method: clinical testing. Allele origin: germline.
Comment: This sequence change replaces glutamic acid, which is acidic and polar, with lysine, which is basic and polar, at codon 227 of the BRCA1 protein (p.Glu227Lys). This variant is not present in population databases (gnomAD no frequency). This variant has not been reported in the literature in individuals affected with BRCA1-related conditions. ClinVar contains an entry for this variant (Variation ID: 1375429). Invitae Evidence Modeling of protein sequence and biophysical properties (such as structural, functional, and spatial information, amino acid conservation, physicochemical variation, residue mobility, and thermodynamic stability) indicates that this missense variant is not expected to disrupt BRCA1 protein function with a negative predictive value of 80%. In summary, the available evidence is currently insufficient to determine the role of this variant in disease. Therefore, it has been classified as a Variant of Uncertain Significance.

University of Washington Department of Laboratory Medicine, University of Washington
Classification: Likely benign for Hereditary cancer-predisposing syndrome. Last evaluated: 2023-03-23. Review status: criteria provided, single submitter. Criteria: Dines et al. (Genet Med. 2020). Collection method: curation. Allele origin: germline.
Comment: Missense variant in a coldspot region where missense variants are very unlikely to be pathogenic (PMID:31911673).

BRCA1 coldspot (exon 11 using historical exon numbering). Reclassification based on statistical prior probability

Ambry Genetics
Classification: Uncertain significance for Hereditary cancer-predisposing syndrome. Last evaluated: 2023-03-13. Review status: criteria provided, single submitter. Criteria: Ambry Variant Classification Scheme 2023. Collection method: clinical testing. Allele origin: germline.
Comment: The p.E227K variant (also known as c.679G>A), located in coding exon 9 of the BRCA1 gene, results from a G to A substitution at nucleotide position 679. The glutamic acid at codon 227 is replaced by lysine, an amino acid with similar properties. This amino acid position is not well conserved in available vertebrate species. In addition, this alteration is predicted to be deleterious by in silico analysis. Since supporting evidence is limited at this time, the clinical significance of this alteration remains unclear.

NM_007294.4(BRCA1):c.679G>A (p.Glu227Lys)

Gene: BRCA1 (BRCA1 DNA repair associated; minus strand). Cytogenetic location: 17q21.31.
Variant type: single nucleotide variant.
Coding change: c.679G>A on transcript NM_007294.4 (MANE Select); coding-DNA position 679, G replaced by A.
Protein change: p.Glu227Lys; replaces glutamic acid 227 with lysine.
Molecular consequence: missense variant. On other transcripts: non-coding transcript variant (1).
Genome position (GRCh38, 1-based): chr17:43,094,852, C>T on the plus strand (G>A on the coding strand, the complement: BRCA1 is on the minus strand). VCF-style: chr17-43094852-C-T. GRCh37 (hg19) VCF-style: chr17-41246869-C-T.
Other names: c.466G>A, p.Glu156Lys (NM_001407571.1, NM_001407853.1, NM_001407894.1 and 12 more transcripts); c.679G>A, p.Glu227Lys (NM_001407581.1, NM_001407582.1, NM_001407583.1 and 54 more transcripts); c.676G>A, p.Glu226Lys (NM_001407587.1, NM_001407590.1, NM_001407591.1 and 38 more transcripts); c.670G>A, p.Glu224Lys (NM_001407646.1, NM_001407647.1, NM_001408408.1); c.556G>A, p.Glu186Lys (NM_001407648.1, NM_001407664.1, NM_001407665.1 and 34 more transcripts); c.553G>A, p.Glu185Lys (NM_001407649.1, NM_001407670.1, NM_001407671.1 and 20 more transcripts); c.601G>A, p.Glu201Lys (NM_001407653.1, NM_001407654.1, NM_001407655.1 and 9 more transcripts); c.598G>A, p.Glu200Lys (NM_001407659.1, NM_001407660.1, NM_001407661.1 and 3 more transcripts); and 14 more; short protein forms E180K, E227K, E139K, E160K, E224K, E226K, E99K, E116K.
Identifiers: ClinVar variation 1375429 (VCV001375429.11), dbSNP rs879255319, ClinGen allele CA10600733.